The following is an entry in ClinVar:

NM_006346.4(PIBF1):c.1508A>G (p.Tyr503Cys)

Gene: PIBF1 (progesterone immunomodulatory binding factor 1; plus strand). Cytogenetic location: 13q22.1.
Variant type: single nucleotide variant.
Coding change: c.1508A>G on transcript NM_006346.4 (MANE Select); coding-DNA position 1508, A replaced by G.
Protein change: p.Tyr503Cys; replaces tyrosine 503 with cysteine.
Molecular consequence: missense variant. On other transcripts: non-coding transcript variant (2).
Genome position (GRCh38, 1-based): chr13:72,908,550, A>G. VCF-style: chr13-72908550-A-G. GRCh37 (hg19) VCF-style: chr13-73482688-A-G.
Other names: c.1595A>G, p.Tyr532Cys (NM_001349655.2); short protein forms Y503C, Y532C.
Identifiers: ClinVar variation 598934 (VCV000598934.11), dbSNP rs144610914, ClinGen allele CA7002302.
Genomic context (GRCh38, chr13:72,908,550, plus strand): 5'-TGTTTAATTCTGCCTTTGTAATTCTTCTCTTTCACTATTAGGTTTTAACCAAAGAATTTT[A>G]TAGTCTCCAAGCCTCTTCTGAAAAACGCATTACTGAACTTCAAGCACAGAACTCAGAGCA-3'
Protein context (NP_006337.2, residues 493-513): KKLEVLTKEF[Tyr503Cys]SLQASSEKRI

ClinVar aggregate classification (germline): Likely pathogenic. Review status: criteria provided, multiple submitters, no conflicts (2 of 4 stars). 7 submissions from 7 submitters: Likely pathogenic (3). 4 of the submissions do not count toward it. Last evaluated 2024-05-02.

Conditions:
Cephalocele. Identifiers: Orphanet 268817, MedGen C0014065, MONDO:0017078, HP:0011815.
Joubert syndrome 33. Identifiers: MedGen C4540389, MONDO:0033311, OMIM 617767.
Dandy-Walker syndrome (DWS). Identifiers: Orphanet 217, MedGen C0010964, MeSH D003616, MONDO:0009072, OMIM 220200.

Allele frequency attached by ClinVar (database versions not stated): gnomAD 0.00002 and 0.00003; TOPMed 0.00005; gnomAD exomes 0.00006 and 0.00007; ExAC 0.00007; ESP Exome Variant Server 0.00008.
gnomAD v4.1: 110 of 1,603,650 alleles (0.0069%); highest among the groups gnomAD compares: Non-Finnish European, 0.0055%; no homozygotes.

Submissions (7):

Greenwood Genetic Center Diagnostic Laboratories, Greenwood Genetic Center
Classification: Likely pathogenic for Joubert syndrome 33. Last evaluated: 2024-05-02. Review status: criteria provided, single submitter. Criteria: ACMG Guidelines, 2015. Collection method: clinical testing. Allele origin: germline. Affected: yes.
Comment: PM1, PM3_Strong, PM2

3billion
Classification: Likely pathogenic for Joubert syndrome 33. Last evaluated: 2022-05-22. Review status: criteria provided, single submitter. Criteria: ACMG Guidelines, 2015. Collection method: clinical testing. Allele origin: germline. Affected: yes. Observed: 1 heterozygote.
Comment: The variant is observed at an extremely low frequency in the gnomAD v2.1.1 dataset (total allele frequency: 0.006%). Same nucleotide change resulting in same amino acid change has been previously reported as pathogenic/likely pathogenic with strong evidence (ClinVar ID: VCV000598934). Therefore, this variant is classified as likely pathogenic according to the recommendation of ACMG/AMP guideline.

Johns Hopkins Genomics, Johns Hopkins University
Classification: Likely pathogenic for Joubert syndrome 33. Last evaluated: 2021-01-18. Review status: criteria provided, single submitter. Criteria: ACMG Guidelines, 2015. Collection method: clinical testing. Allele origin: germline.
Comment: This PIBF1 variant (rs144610914) is rare (<0.1%) in a large population dataset (gnomAD: 15/273344 total alleles; 0.005%; no homozygotes) and has an entry in ClinVar. It has been reported in a compound heterozygous state with a nonsense variant in a patient with Joubert syndrome. Three bioinformatics tools predict this variant would be damaging The tyrosine residue at this position is strongly conserved across the species assessed. This variant is not predicted to affect normal exon 12 splicing, although this has not been confirmed experimentally to our knowledge. We consider c.1508A>G to be likely pathogenic.

OMIM
Classification: Pathogenic for JOUBERT SYNDROME 33. Last evaluated: 2020-10-27. Review status: no assertion criteria provided. Collection method: literature only. Allele origin: germline. Not counted in ClinVar's aggregate classification.

Dobyns Lab, Seattle Children's Research Institute
Classification: Pathogenic for JOUBERT SYNDROME 33; Cephalocele. Last evaluated: 2019-02-18. Review status: no assertion criteria provided. Collection method: research. Allele origin: germline. Affected: yes. Observed: 1 variant allele. Not counted in ClinVar's aggregate classification.

Institute of Human Genetics, Heidelberg University
Classification: Pathogenic for Joubert syndrome 33. Review status: no assertion criteria provided. Collection method: research. Allele origin: germline. Inheritance: Autosomal recessive inheritance. Affected: yes. Not counted in ClinVar's aggregate classification.
Comment: The variant is observed as compound heterozygous along with the variant at 13:73468052 in the PIBF1 gene.

University of Washington Center for Mendelian Genomics, University of Washington
Classification: Likely pathogenic for Dandy-Walker malformation. Review status: no assertion criteria provided. Collection method: research. Allele origin: inherited. Affected: yes. Not counted in ClinVar's aggregate classification.

Literature cited by the submitters: PubMed 26167768 (cited by Johns Hopkins Genomics, Johns Hopkins University); PubMed 30858804 (cited by Johns Hopkins Genomics, Johns Hopkins University and OMIM); PubMed 31474318 (cited by University of Washington Center for Mendelian Genomics, University of Washington).